The following is an entry in ClinVar:

ClinVar aggregate classification (germline): Likely benign. Review status: criteria provided, multiple submitters, no conflicts (2 of 4 stars). 6 submissions from 6 submitters: Likely benign (5). 1 of the submissions does not count toward it. Last evaluated 2026-03-27.

Conditions:
ALPK3-related disorder. Also called: ALPK3-related condition.
Cardiovascular phenotype. Identifiers: MedGen CN230736.

Allele frequency attached by ClinVar (database versions not stated): gnomAD 0.00009; ESP Exome Variant Server 0.00008; gnomAD exomes 0.00012 and 0.00015; ExAC 0.00017; TOPMed 0.00013.
gnomAD v4.1: 199 of 1,611,290 alleles (0.012%); highest among the groups gnomAD compares: Middle Eastern, 0.049%; no homozygotes.

Submissions (6):

Molecular Diagnostic Laboratory for Inherited Cardiovascular Disease, Montreal Heart Institute
Classification: Likely benign. Last evaluated: 2026-03-27. Review status: criteria provided, single submitter. Criteria: ACMG Guidelines, 2015. Collection method: clinical testing. Allele origin: germline. Affected: no.

Labcorp Genetics (formerly Invitae), Labcorp
Classification: Likely benign. Last evaluated: 2026-01-12. Review status: criteria provided, single submitter. Criteria: Invitae Variant Classification Sherloc (09022015). Collection method: clinical testing. Allele origin: germline.

Mayo Clinic Laboratories, Mayo Clinic
Classification: Likely benign. Last evaluated: 2025-07-23. Review status: criteria provided, single submitter. Criteria: ACMG Guidelines, 2015. Collection method: clinical testing. Allele origin: germline. Observed: 1 variant allele.
Comment: BP4, BP7

GeneDx
Classification: Likely benign. Last evaluated: 2020-12-07. Review status: criteria provided, single submitter. Criteria: GeneDx Variant Classification Process June 2021. Collection method: clinical testing. Allele origin: germline. Affected: yes.

Ambry Genetics
Classification: Likely benign for Cardiovascular phenotype. Last evaluated: 2019-07-08. Review status: criteria provided, single submitter. Criteria: Ambry Variant Classification Scheme 2023. Collection method: clinical testing. Allele origin: germline.

PreventionGenetics, part of Exact Sciences
Classification: Likely benign for ALPK3-related condition. Last evaluated: 2020-05-01. Review status: no assertion criteria provided. Collection method: clinical testing. Allele origin: germline. Not counted in ClinVar's aggregate classification.
Comment: This variant is classified as likely benign based on ACMG/AMP sequence variant interpretation guidelines (Richards et al. 2015 PMID: 25741868, with internal and published modifications).

NM_020778.5(ALPK3):c.2964C>T (p.Thr988=)

Gene: ALPK3 (alpha kinase 3; plus strand). Cytogenetic location: 15q25.3.
Variant type: single nucleotide variant.
Coding change: c.2964C>T on transcript NM_020778.5 (MANE Select); coding-DNA position 2964, C replaced by T.
Protein change: p.Thr988=; no amino-acid change (threonine 988 retained).
Molecular consequence: synonymous variant.
Genome position (GRCh38, 1-based): chr15:84,857,702, C>T. VCF-style: chr15-84857702-C-T. GRCh37 (hg19) VCF-style: chr15-85400933-C-T.
Other names: p.Thr1190=.
Identifiers: ClinVar variation 1207116 (VCV001207116.17), dbSNP rs199749201, ClinGen allele CA7709527.